The following is an entry in ClinVar:

ClinVar aggregate classification (germline): Uncertain significance. Review status: criteria provided, multiple submitters, no conflicts (2 of 4 stars). 3 submissions from 3 submitters: Uncertain significance (3). Last evaluated 2025-07-15.

Conditions:
Neuromuscular disease caused by qualitative or quantitative defects of dysferlin. Also called: Qualitative or quantitative defects of dysferlin; Dysferlinopathy. Identifiers: Orphanet 207073, MedGen C2931687, MONDO:0016145.
Inborn genetic diseases. Identifiers: MedGen C0950123, MeSH D030342.

Allele frequency attached by ClinVar (database versions not stated): ExAC 0.00001; gnomAD 0.00001; gnomAD exomes 0.00001; TOPMed 0.00001.
gnomAD v4.1: 20 of 1,614,016 alleles (0.0012%); highest among the groups gnomAD compares: Non-Finnish European, 0.0014%; no homozygotes.

Submissions (3):

Ambry Genetics
Classification: Uncertain significance for Inborn genetic diseases. Last evaluated: 2025-07-15. Review status: criteria provided, single submitter. Criteria: Ambry Variant Classification Scheme 2023. Collection method: clinical testing. Allele origin: germline.

Labcorp Genetics (formerly Invitae), Labcorp
Classification: Uncertain significance for Neuromuscular disease caused by qualitative or quantitative defects of dysferlin. Last evaluated: 2023-07-07. Review status: criteria provided, single submitter. Criteria: Invitae Variant Classification Sherloc (09022015). Collection method: clinical testing. Allele origin: germline.
Comment: This sequence change replaces alanine, which is neutral and non-polar, with serine, which is neutral and polar, at codon 246 of the DYSF protein (p.Ala246Ser). In summary, the available evidence is currently insufficient to determine the role of this variant in disease. Therefore, it has been classified as a Variant of Uncertain Significance. Advanced modeling of protein sequence and biophysical properties (such as structural, functional, and spatial information, amino acid conservation, physicochemical variation, residue mobility, and thermodynamic stability) performed at Invitae indicates that this missense variant is not expected to disrupt DYSF protein function. ClinVar contains an entry for this variant (Variation ID: 1947275). This variant has not been reported in the literature in individuals affected with DYSF-related conditions. This variant is present in population databases (rs776241212, gnomAD 0.003%).

Revvity Omics, Revvity
Classification: Uncertain significance. Last evaluated: 2022-11-21. Review status: criteria provided, single submitter. Criteria: ACMG Guidelines, 2015. Collection method: clinical testing. Allele origin: germline.

NM_001130987.2(DYSF):c.832G>T (p.Ala278Ser)

Gene: DYSF (dysferlin; plus strand). Cytogenetic location: 2p13.2.
Variant type: single nucleotide variant.
Coding change: c.832G>T on transcript NM_001130987.2 (MANE Select); coding-DNA position 832, G replaced by T.
Protein change: p.Ala278Ser; replaces alanine 278 with serine.
Molecular consequence: missense variant.
Genome position (GRCh38, 1-based): chr2:71,515,695, G>T. VCF-style: chr2-71515695-G-T. GRCh37 (hg19) VCF-style: chr2-71742825-G-T.
Other names: c.739G>T, p.Ala247Ser (NM_001130455.2, NM_001130983.2, NM_001130984.2 and 1 more transcripts); c.736G>T, p.Ala246Ser (NM_001130976.2, NM_001130977.2, NM_001130978.2 and 1 more transcripts); c.829G>T, p.Ala277Ser (NM_001130979.2, NM_001130980.2, NM_001130981.2); c.832G>T, p.Ala278Ser (NM_001130982.2, NM_001130985.2); c.736G>T (NM_003494.3); short protein forms A278S, A246S, A247S, A277S.
Identifiers: ClinVar variation 1947275 (VCV001947275.8), dbSNP rs776241212, ClinGen allele CA1705473.